The following is an entry in ClinVar:

NM_003803.4(MYOM1):c.3733C>T (p.Pro1245Ser)

Gene: MYOM1 (myomesin 1; minus strand). Cytogenetic location: 18p11.31.
Variant type: single nucleotide variant.
Coding change: c.3733C>T on transcript NM_003803.4 (MANE Select); coding-DNA position 3733, C replaced by T.
Protein change: p.Pro1245Ser; replaces proline 1245 with serine.
Molecular consequence: missense variant.
Genome position (GRCh38, 1-based): chr18:3,094,301, G>A on the plus strand (C>T on the coding strand, the complement: MYOM1 is on the minus strand). VCF-style: chr18-3094301-G-A. GRCh37 (hg19) VCF-style: chr18-3094299-G-A.
Other names: c.3445C>T, p.Pro1149Ser (NM_019856.2); short protein forms P1149S, P1245S.
Identifiers: ClinVar variation 1734407 (VCV001734407.2), dbSNP rs2510522777, ClinGen allele CA401713550.

ClinVar aggregate classification (germline): Uncertain significance (1 of 4 stars; one submission).

Submission:

Ambry Genetics
Classification: Uncertain significance. Last evaluated: 2022-09-02. Review status: criteria provided, single submitter. Criteria: Ambry Variant Classification Scheme 2023. Collection method: clinical testing. Allele origin: germline.
Comment: The p.P1245S variant (also known as c.3733C>T), located in coding exon 25 of the MYOM1 gene, results from a C to T substitution at nucleotide position 3733. The proline at codon 1245 is replaced by serine, an amino acid with similar properties. This amino acid position is conserved. In addition, this alteration is predicted to be tolerated by in silico analysis. Since supporting evidence is limited at this time, the clinical significance of this alteration remains unclear.